The following is an entry in ClinVar:

ClinVar aggregate classification (germline): Pathogenic (1 of 4 stars; one submission).

Conditions:
Neurofibromatosis, type 1 (NF1). Also called: NEUROFIBROMATOSIS, TYPE I, SOMATIC; VON RECKLINGHAUSEN DISEASE; Peripheral type neurofibromatosis; Neurofibromatosis, type I. Identifiers: Orphanet 636, MedGen C0027831, MONDO:0018975, OMIM 162200. Disease mechanism: loss of function.

Submission:

Labcorp Genetics (formerly Invitae), Labcorp
Classification: Pathogenic for Neurofibromatosis, type 1. Last evaluated: 2021-04-15. Review status: criteria provided, single submitter. Criteria: Invitae Variant Classification Sherloc (09022015). Collection method: clinical testing. Allele origin: germline.
Comment: For these reasons, this variant has been classified as Pathogenic. This variant has not been reported in the literature in individuals with NF1-related conditions. This variant is not present in population databases (ExAC no frequency). This sequence change creates a premature translational stop signal (p.Asp378Glufs*2) in the NF1 gene. It is expected to result in an absent or disrupted protein product. Loss-of-function variants in NF1 are known to be pathogenic (PMID: 10712197, 23913538).

Literature cited by the submitters: PubMed 10712197; PubMed 23913538.

NM_001042492.3(NF1):c.1133_1134insATGA (p.Asp378delinsGluTer)

Gene: NF1 (neurofibromin 1; plus strand). Cytogenetic location: 17q11.2.
Variant type: Insertion.
Coding change: c.1133_1134insATGA on transcript NM_001042492.3 (MANE Select); coding-DNA positions 1133 to 1134, ATGA inserted.
Protein change: p.Asp378delinsGluTer.
Molecular consequence: nonsense. On other transcripts: frameshift variant (1).
Genome position: GRCh38 VCF-style: chr17-31201104-T-TTGAA. GRCh37 (hg19) VCF-style: chr17-29528122-T-TTGAA.
Other names: c.1133_1134insATGA, p.Asp378Glufs (NM_000267.4); c.1133_1134insATGA, p.Asp378delinsGluTer (NM_001128147.3).
Identifiers: ClinVar variation 1445451 (VCV001445451.6), dbSNP rs2143879651, ClinGen allele CA2573153556.
Genomic context (GRCh38, chr17:31,201,104, plus strand): 5'-TTTTTAATCCAAGTAAGCCATTCTCAAGAGGCAGTCAGCCTGCAGATGTGGATCTAATGA[T>TTGAA]TGACTGCCTTGTTTCTTGCTTTCGTATAAGCCCTCACAACAACCAACACTTTAAGGTGAG-3'